The following is an entry in ClinVar:

ClinVar aggregate classification (germline): Uncertain significance. Review status: criteria provided, multiple submitters, no conflicts (2 of 4 stars). 2 submissions from 2 submitters: Uncertain significance (2). Last evaluated 2025-08-03.

Conditions:
Tay-Sachs disease (TSD). Also called: HEXA DEFICIENCY; HEXA Disorders; GM2 gangliosidosis, type 1; Hexosaminidase alpha-subunit deficiency (variant B); Sphingolipidosis, Tay-Sachs; Hexosaminidase A Deficiency. Identifiers: Orphanet 845, MedGen C0039373, MONDO:0010100, OMIM 272800.
Inborn genetic diseases. Identifiers: MedGen C0950123, MeSH D030342.

Allele frequency attached by ClinVar (database versions not stated): ExAC 0.00001; gnomAD exomes 0.00001; TOPMed 0.00002; gnomAD 0.00003; ESP Exome Variant Server 0.00008.
gnomAD v4.1: 13 of 1,614,124 alleles (0.00081%); highest among the groups gnomAD compares: South Asian, 0.0011%; no homozygotes.

Submissions (2):

Ambry Genetics
Classification: Uncertain significance for Inborn genetic diseases. Last evaluated: 2025-08-03. Review status: criteria provided, single submitter. Criteria: Ambry Variant Classification Scheme 2023. Collection method: clinical testing. Allele origin: germline.

Labcorp Genetics (formerly Invitae), Labcorp
Classification: Uncertain significance for Tay-Sachs disease. Last evaluated: 2018-04-12. Review status: criteria provided, single submitter. Criteria: Invitae Variant Classification Sherloc (09022015). Collection method: clinical testing. Allele origin: germline.
Comment: This sequence change replaces valine with alanine at codon 480 of the HEXA protein (p.Val480Ala). The valine residue is moderately conserved and there is a small physicochemical difference between valine and alanine. This variant is present in population databases (rs376929315, ExAC 0.002%). This variant has not been reported in the literature in individuals with HEXA-related disease. Algorithms developed to predict the effect of missense changes on protein structure and function (SIFT, PolyPhen-2, Align-GVGD) all suggest that this variant is likely to be tolerated, but these predictions have not been confirmed by published functional studies and their clinical significance is uncertain. In summary, the available evidence is currently insufficient to determine the role of this variant in disease. Therefore, it has been classified as a Variant of Uncertain Significance.

NM_000520.6(HEXA):c.1439T>C (p.Val480Ala)

Gene: HEXA (hexosaminidase subunit alpha; minus strand). Cytogenetic location: 15q23.
Variant type: single nucleotide variant.
Coding change: c.1439T>C on transcript NM_000520.6 (MANE Select); coding-DNA position 1439, T replaced by C.
Protein change: p.Val480Ala; replaces valine 480 with alanine.
Molecular consequence: missense variant. On other transcripts: non-coding transcript variant (1).
Genome position (GRCh38, 1-based): chr15:72,345,533, A>G on the plus strand (T>C on the coding strand, the complement: HEXA is on the minus strand). VCF-style: chr15-72345533-A-G. GRCh37 (hg19) VCF-style: chr15-72637874-A-G.
Other names: c.1472T>C, p.Val491Ala (NM_001318825.2); c.1439T>C (NM_000520.4); short protein forms V480A, V491A.
Identifiers: ClinVar variation 2418401 (VCV002418401.4), dbSNP rs376929315, ClinGen allele CA7644674.